The following is an entry in ClinVar:

NM_001080467.3(MYO5B):c.4921C>T (p.Arg1641Cys)

Genes: MYO5B (myosin VB; minus strand), SNHG22 (small nucleolar RNA host gene 22; plus strand). Cytogenetic location: 18q21.1.
Variant type: single nucleotide variant.
Coding change: c.4921C>T on transcript NM_001080467.3 (MANE Select); coding-DNA position 4921, C replaced by T.
Protein change: p.Arg1641Cys; replaces arginine 1641 with cysteine.
Molecular consequence: missense variant.
Genome position (GRCh38, 1-based): chr18:49,837,734, G>A on the plus strand (C>T on the coding strand, the complement: MYO5B is on the minus strand). VCF-style: chr18-49837734-G-A. GRCh37 (hg19) VCF-style: chr18-47364104-G-A.
Other names: short protein forms R1641C.
Identifiers: ClinVar variation 4777834 (VCV004777834.1).

ClinVar aggregate classification (germline): Uncertain significance (1 of 4 stars; one submission).

gnomAD v4.1: 11 of 1,614,066 alleles (0.00068%); highest among the groups gnomAD compares: Admixed American, 0.0067%; no homozygotes.

Submission:

Labcorp Genetics (formerly Invitae), Labcorp
Classification: Uncertain significance. Last evaluated: 2025-04-22. Review status: criteria provided, single submitter. Criteria: Invitae Variant Classification Sherloc (09022015). Collection method: clinical testing. Allele origin: germline.
Comment: This sequence change replaces arginine, which is basic and polar, with cysteine, which is neutral and slightly polar, at codon 1641 of the MYO5B protein (p.Arg1641Cys). The frequency data for this variant in the population databases is considered unreliable, as metrics indicate poor data quality at this position in the gnomAD database. This variant has not been reported in the literature in individuals affected with MYO5B-related conditions. Invitae Evidence Modeling of protein sequence and biophysical properties (such as structural, functional, and spatial information, amino acid conservation, physicochemical variation, residue mobility, and thermodynamic stability) has been performed for this missense variant. However, the output from this modeling did not meet the statistical confidence thresholds required to predict the impact of this variant on MYO5B protein function. In summary, the available evidence is currently insufficient to determine the role of this variant in disease. Therefore, it has been classified as a Variant of Uncertain Significance.